The following is an entry in ClinVar:

ClinVar aggregate classification (germline): Uncertain significance (1 of 4 stars; one submission).

Conditions:
Gastrointestinal stromal tumor. Also called: Gastrointestinal stromal tumor, somatic; Gastrointestinal stroma tumor. Identifiers: Orphanet 44890, MedGen C0238198, MeSH D046152, MONDO:0011719, OMIM 606764, HP:0100723.
Pheochromocytoma/paraganglioma syndrome 3. Also called: GLOMUS TUMORS, FAMILIAL, 3; Paragangliomas 3; SDHC-Related Hereditary Paraganglioma-Pheochromocytoma Syndrome (Paragangliomas 3); SDHC-Related Hereditary Paraganglioma-Pheochromocytoma Syndrome. Identifiers: Orphanet 29072, MedGen C1854336, MONDO:0011544, OMIM 605373.

Submission:

Labcorp Genetics (formerly Invitae), Labcorp
Classification: Uncertain significance for Pheochromocytoma/paraganglioma syndrome 3; Gastrointestinal stromal tumor. Last evaluated: 2024-11-11. Review status: criteria provided, single submitter. Criteria: Invitae Variant Classification Sherloc (09022015). Collection method: clinical testing. Allele origin: germline.
Comment: This sequence change replaces arginine, which is basic and polar, with glycine, which is neutral and non-polar, at codon 7 of the SDHC protein (p.Arg7Gly). This variant is not present in population databases (gnomAD no frequency). This variant has not been reported in the literature in individuals affected with SDHC-related conditions. An algorithm developed to predict the effect of missense changes on protein structure and function (PolyPhen-2) suggests that this variant is likely to be disruptive. Algorithms developed to predict the effect of sequence changes on RNA splicing suggest that this variant may disrupt the consensus splice site. In summary, the available evidence is currently insufficient to determine the role of this variant in disease. Therefore, it has been classified as a Variant of Uncertain Significance.

NM_003001.5(SDHC):c.19A>G (p.Arg7Gly)

Gene: SDHC (succinate dehydrogenase complex subunit C; plus strand). Cytogenetic location: 1q23.3.
Variant type: single nucleotide variant.
Coding change: c.19A>G on transcript NM_003001.5 (MANE Select); coding-DNA position 19, A replaced by G.
Protein change: p.Arg7Gly; replaces arginine 7 with glycine.
Molecular consequence: missense variant. On other transcripts: 5 prime UTR variant (2), non-coding transcript variant (1).
Genome position (GRCh38, 1-based): chr1:161,314,424, A>G. VCF-style: chr1-161314424-A-G. GRCh37 (hg19) VCF-style: chr1-161284214-A-G.
Other names: c.19A>G, p.Arg7Gly (NM_001035511.3, NM_001035512.3, NM_001278172.3 and 2 more transcripts); c.19A>G, p.Ser7Gly (NM_001035513.3, NM_001407116.1, NM_001407117.1 and 1 more transcripts); c.-542A>G (NM_001407119.1); c.-211A>G (NM_001407120.1); short protein forms R7G, S7G.
Identifiers: ClinVar variation 3748067 (VCV003748067.2).